The following is an entry in ClinVar:

NM_000080.4(CHRNE):c.520G>A (p.Glu174Lys)

Genes: C17orf107 (chromosome 17 open reading frame 107; plus strand), CHRNE (cholinergic receptor nicotinic epsilon subunit; minus strand). Cytogenetic location: 17p13.2.
Variant type: single nucleotide variant.
Coding change: c.520G>A on transcript NM_000080.4 (MANE Select); coding-DNA position 520, G replaced by A.
Protein change: p.Glu174Lys; replaces glutamic acid 174 with lysine.
Molecular consequence: missense variant. On other transcripts: 3 prime UTR variant (1).
Genome position (GRCh38, 1-based): chr17:4,901,606, C>T on the plus strand (G>A on the coding strand, the complement: CHRNE is on the minus strand). VCF-style: chr17-4901606-C-T. GRCh37 (hg19) VCF-style: chr17-4804901-C-T.
Other names: c.*1073C>T (NM_001145536.2); short protein forms E174K.
Identifiers: ClinVar variation 644872 (VCV000644872.9), dbSNP rs1597620368, ClinGen allele CA397306006.

ClinVar aggregate classification (germline): Uncertain significance. Review status: criteria provided, multiple submitters, no conflicts (2 of 4 stars). 2 submissions from 2 submitters: Uncertain significance (2). Last evaluated 2023-04-20.

Conditions:
CHRNE-related disorder. Also called: CHRNE-related condition.
Congenital myasthenic syndrome 4A. Also called: MYASTHENIC SYNDROME, CONGENITAL, 4A, SLOW-CHANNEL, AUTOSOMAL RECESSIVE; Myasthenic syndrome, congenital, 4a, slow-channel; CONGENITAL MYASTHENIC SYNDROME TYPE Ia1. Identifiers: Orphanet 590, MedGen C4225413, MONDO:0011600, OMIM 605809.

Allele frequency attached by ClinVar (database versions not stated): gnomAD 0.00001.
gnomAD v4.1: 1 of 1,614,016 alleles (0.000062%); highest among the groups gnomAD compares: Non-Finnish European, 0.000085%; no homozygotes.

Submissions (2):

PreventionGenetics, part of Exact Sciences
Classification: Uncertain significance for CHRNE-related condition. Last evaluated: 2023-04-20. Review status: criteria provided, single submitter. Criteria: ACMG Guidelines, 2015. Collection method: clinical testing. Allele origin: germline.
Comment: The CHRNE c.520G>A variant is predicted to result in the amino acid substitution p.Glu174Lys. To our knowledge, this variant has not been reported in the literature or in a large population database, indicating this variant is rare. At this time, the clinical significance of this variant is uncertain due to the absence of conclusive functional and genetic evidence.

Labcorp Genetics (formerly Invitae), Labcorp
Classification: Uncertain significance for Congenital myasthenic syndrome 4A. Last evaluated: 2022-11-14. Review status: criteria provided, single submitter. Criteria: Invitae Variant Classification Sherloc (09022015). Collection method: clinical testing. Allele origin: germline.
Comment: This sequence change replaces glutamic acid, which is acidic and polar, with lysine, which is basic and polar, at codon 174 of the CHRNE protein (p.Glu174Lys). This variant is not present in population databases (gnomAD no frequency). This variant has not been reported in the literature in individuals affected with CHRNE-related conditions. ClinVar contains an entry for this variant (Variation ID: 644872). Advanced modeling of protein sequence and biophysical properties (such as structural, functional, and spatial information, amino acid conservation, physicochemical variation, residue mobility, and thermodynamic stability) performed at Invitae indicates that this missense variant is not expected to disrupt CHRNE protein function. In summary, the available evidence is currently insufficient to determine the role of this variant in disease. Therefore, it has been classified as a Variant of Uncertain Significance.